The following is an entry in ClinVar:

ClinVar aggregate classification (germline): Pathogenic. Review status: criteria provided, multiple submitters, no conflicts (2 of 4 stars). 4 submissions from 4 submitters: Pathogenic (4). Last evaluated 2026-09-08.

Conditions:
Fabry disease. Also called: Ceramide trihexosidosis; ALPHA-GALACTOSIDASE A DEFICIENCY; ANDERSON-FABRY DISEASE; CERAMIDE TRIHEXOSIDASE DEFICIENCY; GLA DEFICIENCY; HEREDITARY DYSTOPIC LIPIDOSIS. Identifiers: Orphanet 324, MedGen C0002986, MONDO:0010526, OMIM 301500, HP:0001071. Disease mechanism: Fabry disease is due to inactivating mutations in the X-linked GLA gene resulting in deficiency of the enzyme Alpha Galactosidase-A., loss of function.

Submissions (4):

Genomenon, Inc
Classification: Pathogenic for Fabry disease. Last evaluated: 2026-09-08. Review status: criteria provided, single submitter. Criteria: Genomenon Sequence Variant Interpretation Standards - Updated. Collection method: curation. Allele origin: germline. Affected: yes.
Comment: GLA p.Gln306Ter (c.916C>T) is a nonsense variant that introduces a premature stop codon at amino acid position 306 and is predicted to result in a truncated or absent protein product. This variant has been observed in at least one proband with clinical features consistent with Fabry disease (PMID:27560961;16595074;32389574;25974833). Functional or patient cell studies have been reported (PMID:27560961;16595074;25974833). It is absent or not present at a significant frequency in gnomAD. In conclusion, we classify GLA p.Gln306Ter (c.916C>T) as a pathogenic variant.

Medgenome Labs Ltd
Classification: Pathogenic for Fabry disease. Last evaluated: 2026-07-07. Review status: criteria provided, single submitter. Criteria: ACMG Guidelines, 2015. Collection method: clinical testing. Allele origin: germline. Affected: yes.

Labcorp Genetics (formerly Invitae), Labcorp
Classification: Pathogenic for Fabry disease. Last evaluated: 2025-12-29. Review status: criteria provided, single submitter. Criteria: Invitae Variant Classification Sherloc (09022015). Collection method: clinical testing. Allele origin: germline.
Comment: This sequence change creates a premature translational stop signal (p.Gln306*) in the GLA gene. It is expected to result in an absent or disrupted protein product. Loss-of-function variants in GLA are known to be pathogenic (PMID: 10666480, 12175777). This variant is not present in population databases (gnomAD no frequency). This premature translational stop signal has been observed in individual(s) with Fabry disease (PMID: 16595074, 27560961). ClinVar contains an entry for this variant (Variation ID: 198052). For these reasons, this variant has been classified as Pathogenic.

Eurofins Ntd Llc (ga)
Classification: Pathogenic. Last evaluated: 2014-05-12. Review status: criteria provided, single submitter. Criteria: EGL Classification Definitions 2015. Collection method: clinical testing. Allele origin: germline. Observed: 1 variant allele, 1 hemizygote.

Literature cited by the submitters: PubMed 27560961 (cited by Genomenon, Inc and Labcorp Genetics (formerly Invitae), Labcorp); PubMed 16595074 (cited by Genomenon, Inc and Labcorp Genetics (formerly Invitae), Labcorp); PubMed 32389574 (cited by Genomenon, Inc); PubMed 25974833 (cited by Genomenon, Inc); PubMed 10666480 (cited by Labcorp Genetics (formerly Invitae), Labcorp); PubMed 12175777 (cited by Labcorp Genetics (formerly Invitae), Labcorp).

NM_000169.3(GLA):c.916C>T (p.Gln306Ter)

Genes: GLA (galactosidase alpha; minus strand), RPL36A-HNRNPH2 (RPL36A-HNRNPH2 readthrough; plus strand). Cytogenetic location: Xq22.1.
Variant type: single nucleotide variant.
Coding change: c.916C>T on transcript NM_000169.3 (MANE Select); coding-DNA position 916, C replaced by T.
Protein change: p.Gln306Ter; replaces glutamine 306 with a stop codon.
Molecular consequence: nonsense. On other transcripts: non-coding transcript variant (3), intron variant (2).
Genome position (GRCh38, 1-based): chrX:101,398,453, G>A on the plus strand (C>T on the coding strand, the complement: GLA is on the minus strand). VCF-style: chrX-101398453-G-A. GRCh37 (hg19) VCF-style: chrX-100653441-G-A.
Other names: c.1039C>T, p.Gln347Ter (NM_001406747.1); c.916C>T, p.Gln306Ter (NM_001406748.1); c.300+2996G>A (NM_001199973.2); c.177+6631G>A (NM_001199974.2); short protein forms Q306*, Q347*.
Identifiers: ClinVar variation 198052 (VCV000198052.9), dbSNP rs797044768, ClinGen allele CA022196.